The following is an entry in ClinVar:

NM_006269.2(RP1):c.436G>C (p.Ala146Pro)

Gene: RP1 (RP1 axonemal microtubule associated; plus strand). Cytogenetic location: 8q12.1.
Variant type: single nucleotide variant.
Coding change: c.436G>C on transcript NM_006269.2 (MANE Select); coding-DNA position 436, G replaced by C.
Protein change: p.Ala146Pro; replaces alanine 146 with proline.
Molecular consequence: missense variant.
Genome position (GRCh38, 1-based): chr8:54,621,402, G>C. VCF-style: chr8-54621402-G-C. GRCh37 (hg19) VCF-style: chr8-55533962-G-C.
Other names: c.436G>C, p.Ala146Pro (NM_001375654.1); short protein forms A146P.
Identifiers: ClinVar variation 1493199 (VCV001493199.8), dbSNP rs1805867883, ClinGen allele CA370986822.

ClinVar aggregate classification (germline): Uncertain significance (1 of 4 stars; one submission).

Allele frequency attached by ClinVar (database versions not stated): TOPMed below 0.00001.

Submission:

Labcorp Genetics (formerly Invitae), Labcorp
Classification: Uncertain significance. Last evaluated: 2022-10-24. Review status: criteria provided, single submitter. Criteria: Invitae Variant Classification Sherloc (09022015). Collection method: clinical testing. Allele origin: germline.
Comment: In summary, the available evidence is currently insufficient to determine the role of this variant in disease. Therefore, it has been classified as a Variant of Uncertain Significance. This variant has not been reported in the literature in individuals affected with RP1-related conditions. Algorithms developed to predict the effect of missense changes on protein structure and function output the following: SIFT: "Tolerated"; PolyPhen-2: "Benign"; Align-GVGD: "Class C0". The proline amino acid residue is found in multiple mammalian species, which suggests that this missense change does not adversely affect protein function. ClinVar contains an entry for this variant (Variation ID: 1493199). This variant is not present in population databases (gnomAD no frequency). This sequence change replaces alanine, which is neutral and non-polar, with proline, which is neutral and non-polar, at codon 146 of the RP1 protein (p.Ala146Pro).